The following is an entry in ClinVar:

ClinVar aggregate classification (germline): Uncertain significance. Review status: criteria provided, multiple submitters, no conflicts (2 of 4 stars). 2 submissions from 2 submitters: Uncertain significance (2). Last evaluated 2025-08-05.

Conditions:
Gastrointestinal stromal tumor. Also called: Gastrointestinal stromal tumor, somatic; Gastrointestinal stroma tumor. Identifiers: Orphanet 44890, MedGen C0238198, MeSH D046152, MONDO:0011719, OMIM 606764, HP:0100723.
Hereditary cancer-predisposing syndrome. Also called: Neoplastic Syndromes, Hereditary; Hereditary Cancer Syndrome; Hereditary neoplastic syndrome; Tumor predisposition. Identifiers: Orphanet 140162, MedGen C0027672, MeSH D009386, MONDO:0015356.

Allele frequency attached by ClinVar (database versions not stated): gnomAD exomes below 0.00001.

Submissions (2):

Labcorp Genetics (formerly Invitae), Labcorp
Classification: Uncertain significance for Gastrointestinal stromal tumor. Last evaluated: 2025-08-05. Review status: criteria provided, single submitter. Criteria: Invitae Variant Classification Sherloc (09022015). Collection method: clinical testing. Allele origin: germline.
Comment: This sequence change replaces serine, which is neutral and polar, with isoleucine, which is neutral and non-polar, at codon 278 of the KIT protein (p.Ser278Ile). This variant is present in population databases (no rsID available, gnomAD 0.0009%). This variant has not been reported in the literature in individuals affected with KIT-related conditions. ClinVar contains an entry for this variant (Variation ID: 967603). An algorithm developed to predict the effect of missense changes on protein structure and function (PolyPhen-2) suggests that this variant is likely to be disruptive. In summary, the available evidence is currently insufficient to determine the role of this variant in disease. Therefore, it has been classified as a Variant of Uncertain Significance.

Ambry Genetics
Classification: Uncertain significance for Hereditary cancer-predisposing syndrome. Last evaluated: 2023-10-27. Review status: criteria provided, single submitter. Criteria: Ambry Variant Classification Scheme 2023. Collection method: clinical testing. Allele origin: germline.
Comment: The p.S278I variant (also known as c.833G>T), located in coding exon 5 of the KIT gene, results from a G to T substitution at nucleotide position 833. The serine at codon 278 is replaced by isoleucine, an amino acid with dissimilar properties. This amino acid position is conserved. In addition, this alteration is predicted to be tolerated by in silico analysis. Since supporting evidence is limited at this time, the clinical significance of this alteration remains unclear.

NM_000222.3(KIT):c.833G>T (p.Ser278Ile)

Gene: KIT (KIT proto-oncogene, receptor tyrosine kinase; plus strand). Cytogenetic location: 4q12.
Variant type: single nucleotide variant.
Coding change: c.833G>T on transcript NM_000222.3 (MANE Select); coding-DNA position 833, G replaced by T.
Protein change: p.Ser278Ile; replaces serine 278 with isoleucine.
Molecular consequence: missense variant.
Genome position (GRCh38, 1-based): chr4:54,703,800, G>T. VCF-style: chr4-54703800-G-T. GRCh37 (hg19) VCF-style: chr4-55569966-G-T.
Other names: c.833G>T, p.Ser278Ile (NM_001093772.2, NM_001385285.1, NM_001385286.1); c.836G>T, p.Ser279Ile (NM_001385284.1, NM_001385288.1, NM_001385290.1 and 1 more transcripts); short protein forms S278I, S279I.
Identifiers: ClinVar variation 967603 (VCV000967603.12), dbSNP rs1325793057, ClinGen allele CA356899817.
Genomic context (GRCh38, chr4:54,703,800, plus strand): 5'-AATATAATAGCTGGCATCACGGTGACTTCAATTATGAACGTCAGGCAACGTTGACTATCA[G>T]TTCAGCGAGAGTTAATGATTCTGGAGTGTTCATGTGTTATGCCAATAATACTTTTGGATC-3'
Protein context (NP_000213.1, residues 268-288): NYERQATLTI[Ser278Ile]SARVNDSGVF